The following is an entry in ClinVar:

NM_006950.3(SYN1):c.1571C>T (p.Pro524Leu)

Gene: SYN1 (synapsin I; minus strand). Cytogenetic location: Xp11.3.
Variant type: single nucleotide variant.
Coding change: c.1571C>T on transcript NM_006950.3 (MANE Select); coding-DNA position 1571, C replaced by T.
Protein change: p.Pro524Leu; replaces proline 524 with leucine.
Molecular consequence: missense variant.
Genome position (GRCh38, 1-based): chrX:47,574,413, G>A on the plus strand (C>T on the coding strand, the complement: SYN1 is on the minus strand). VCF-style: chrX-47574413-G-A. GRCh37 (hg19) VCF-style: chrX-47433812-G-A.
Other names: c.1571C>T, p.Pro524Leu (NM_133499.2); short protein forms P524L.
Identifiers: ClinVar variation 967976 (VCV000967976.10), dbSNP rs2057770771, ClinGen allele CA412823257.

ClinVar aggregate classification (germline): Uncertain significance (1 of 4 stars; one submission).

Conditions:
Epilepsy, X-linked 1, with variable learning disabilities and behavior disorders. Also called: X-linked epilepsy-learning disabilities-behavior disorders syndrome. Identifiers: Orphanet 85294, MedGen C5774177, MONDO:0010339, OMIM 300491.

Submission:

Labcorp Genetics (formerly Invitae), Labcorp
Classification: Uncertain significance for Epilepsy, X-linked 1, with variable learning disabilities and behavior disorders. Last evaluated: 2019-11-07. Review status: criteria provided, single submitter. Criteria: Invitae Variant Classification Sherloc (09022015). Collection method: clinical testing. Allele origin: germline.
Comment: This sequence change replaces proline with leucine at codon 524 of the SYN1 protein (p.Pro524Leu). The proline residue is moderately conserved and there is a moderate physicochemical difference between proline and leucine. The frequency data for this variant in the population databases is considered unreliable, as metrics indicate insufficient coverage at this position in the ExAC database. This variant has not been reported in the literature in individuals with SYN1-related conditions. In summary, the available evidence is currently insufficient to determine the role of this variant in disease. Therefore, it has been classified as a Variant of Uncertain Significance.